The following is an entry in ClinVar:

NM_024513.4(FYCO1):c.2612G>A (p.Arg871Gln)

Gene: FYCO1 (FYVE and coiled-coil domain autophagy adaptor 1; minus strand). Cytogenetic location: 3p21.31.
Variant type: single nucleotide variant.
Coding change: c.2612G>A on transcript NM_024513.4 (MANE Select); coding-DNA position 2612, G replaced by A.
Protein change: p.Arg871Gln; replaces arginine 871 with glutamine.
Molecular consequence: missense variant.
Genome position (GRCh38, 1-based): chr3:45,966,722, C>T on the plus strand (G>A on the coding strand, the complement: FYCO1 is on the minus strand). VCF-style: chr3-45966722-C-T. GRCh37 (hg19) VCF-style: chr3-46008214-C-T.
Other names: c.2612G>A (NM_024513.2); short protein forms R871Q.
Identifiers: ClinVar variation 901884 (VCV000901884.15), dbSNP rs113517878, ClinGen allele CA2353006.

ClinVar aggregate classification (germline): Benign/Likely benign. Review status: criteria provided, multiple submitters, no conflicts (2 of 4 stars). 4 submissions from 4 submitters: Benign (1); Likely benign (2). 1 of the submissions does not count toward it. Last evaluated 2025-10-03.

Conditions:
FYCO1-related disorder. Also called: FYCO1-related condition.
Inborn genetic diseases. Identifiers: MedGen C0950123, MeSH D030342.
Cataract 18 (CATC2). Also called: CATARACT 18, AUTOSOMAL RECESSIVE. Identifiers: Orphanet 91492, Orphanet 98991, Orphanet 98992, Orphanet 98995, MedGen C1864908, MONDO:0012395, OMIM 610019.

Allele frequency attached by ClinVar (database versions not stated): 1000 Genomes Project 0.00120; 1000 Genomes Project 30x 0.00125; ESP Exome Variant Server 0.00169; gnomAD 0.00184 and 0.00200; TOPMed 0.00194.
gnomAD v4.1: 572 of 1,612,478 alleles (0.035%); highest among the groups gnomAD compares: African/African-American, 0.59%; 3 homozygotes.

Submissions (4):

Labcorp Genetics (formerly Invitae), Labcorp
Classification: Benign for Cataract 18. Last evaluated: 2025-10-03. Review status: criteria provided, single submitter. Criteria: Invitae Variant Classification Sherloc (09022015). Collection method: clinical testing. Allele origin: germline.

Ambry Genetics
Classification: Likely benign for Inborn genetic diseases. Last evaluated: 2022-01-26. Review status: criteria provided, single submitter. Criteria: Ambry Variant Classification Scheme 2023. Collection method: clinical testing. Allele origin: germline.

Illumina Laboratory Services, Illumina
Classification: Likely benign for Cataract 18. Last evaluated: 2018-01-13. Review status: criteria provided, single submitter. Criteria: ICSL Variant Classification Criteria 13 December 2019. Collection method: clinical testing. Allele origin: germline.
Comment: This variant was observed in the ICSL laboratory as part of a predisposition screen in an ostensibly healthy population. It had not been previously curated by ICSL or reported in the Human Gene Mutation Database (HGMD: prior to June 1st, 2018), and was therefore a candidate for classification through an automated scoring system. Utilizing variant allele frequency, disease prevalence and penetrance estimates, and inheritance mode, an automated score was calculated to assess if this variant is too frequent to cause the disease. Based on the score and internal cut-off values, a variant classified as likely benign is not then subjected to further curation. The score for this variant resulted in a classification of likely benign for this disease.

PreventionGenetics, part of Exact Sciences
Classification: Likely benign for FYCO1-related condition. Last evaluated: 2020-02-24. Review status: no assertion criteria provided. Collection method: clinical testing. Allele origin: germline. Not counted in ClinVar's aggregate classification.
Comment: This variant is classified as likely benign based on ACMG/AMP sequence variant interpretation guidelines (Richards et al. 2015 PMID: 25741868, with internal and published modifications).